The following is an entry in ClinVar:

NM_022166.4(XYLT1):c.2714G>A (p.Trp905Ter)

Gene: XYLT1 (xylosyltransferase 1; minus strand). Cytogenetic location: 16p12.3.
Variant type: single nucleotide variant.
Coding change: c.2714G>A on transcript NM_022166.4 (MANE Select); coding-DNA position 2714, G replaced by A.
Protein change: p.Trp905Ter; replaces tryptophan 905 with a stop codon.
Molecular consequence: nonsense.
Genome position (GRCh38, 1-based): chr16:17,108,861, C>T on the plus strand (G>A on the coding strand, the complement: XYLT1 is on the minus strand). VCF-style: chr16-17108861-C-T. GRCh37 (hg19) VCF-style: chr16-17202718-C-T.
Other names: short protein forms W905*.
Identifiers: ClinVar variation 3361367 (VCV003361367.1).
Genomic context (GRCh38, chr16:17,108,861, plus strand): 5'-GTGGGGCCCGTGGCACAGATGTCCATGGCAGTCCACATCCCGCCCACCAACGAGTCCAGC[C>T]ATCCCTCCAGCGCTGTGCCCGTGGAGGCTGCGTTCCTCCGTGCCTGTTCCACCTGGGCGG-3'

ClinVar aggregate classification (germline): Uncertain significance (1 of 4 stars; one submission).

Submission:

GeneDx
Classification: Uncertain significance. Last evaluated: 2023-07-21. Review status: criteria provided, single submitter. Criteria: GeneDx Variant Classification Process June 2021. Collection method: clinical testing. Allele origin: germline. Affected: yes.
Comment: Nonsense variant predicted to result in protein truncation as the last 55 amino acids are lost, although loss-of-function variants have not been reported downstream of this position in the protein; Not observed at significant frequency in large population cohorts (gnomAD); Has not been previously published as pathogenic or benign to our knowledge